The following is an entry in ClinVar:

NM_000444.6(PHEX):c.317G>A (p.Trp106Ter)

Gene: PHEX (phosphate regulating endopeptidase X-linked; plus strand). Cytogenetic location: Xp22.11.
Variant type: single nucleotide variant.
Coding change: c.317G>A on transcript NM_000444.6 (MANE Select); coding-DNA position 317, G replaced by A.
Protein change: p.Trp106Ter; replaces tryptophan 106 with a stop codon.
Molecular consequence: nonsense.
Genome position (GRCh38, 1-based): chrX:22,047,179, G>A. VCF-style: chrX-22047179-G-A. GRCh37 (hg19) VCF-style: chrX-22065297-G-A.
Other names: c.317G>A (NM_000444.4); c.317G>A, p.Trp106Ter (NM_001282754.2); short protein forms W106*.
Identifiers: ClinVar variation 2034350 (VCV002034350.6), dbSNP rs2519722575, ClinGen allele CA412567777.

ClinVar aggregate classification (germline): Pathogenic. Review status: criteria provided, multiple submitters, no conflicts (2 of 4 stars). 3 submissions from 3 submitters: Pathogenic (3). Last evaluated 2025-05-23.

Conditions:
PHEX-related disorder. Also called: PHEX-related condition.

Submissions (3):

GeneDx
Classification: Pathogenic. Last evaluated: 2025-05-23. Review status: criteria provided, single submitter. Criteria: GeneDx Variant Classification Process June 2021. Collection method: clinical testing. Allele origin: germline. Affected: yes.
Comment: Nonsense variant predicted to result in protein truncation or nonsense mediated decay in a gene for which loss of function is a known mechanism of disease; Not observed at significant frequency in large population cohorts (gnomAD); This variant is associated with the following publications: (PMID: 38442738)

Labcorp Genetics (formerly Invitae), Labcorp
Classification: Pathogenic. Last evaluated: 2025-03-27. Review status: criteria provided, single submitter. Criteria: Invitae Variant Classification Sherloc (09022015). Collection method: clinical testing. Allele origin: germline.
Comment: This sequence change creates a premature translational stop signal (p.Trp106*) in the PHEX gene. It is expected to result in an absent or disrupted protein product. Loss-of-function variants in PHEX are known to be pathogenic (PMID: 9097956, 9106524, 19219621). This variant is not present in population databases (gnomAD no frequency). This variant has not been reported in the literature in individuals affected with PHEX-related conditions. ClinVar contains an entry for this variant (Variation ID: 2034350). For these reasons, this variant has been classified as Pathogenic.

Blueprint Genetics
Classification: Pathogenic for PHEX-related disorders. Last evaluated: 2021-04-16. Review status: criteria provided, single submitter. Criteria: ACMG Guidelines, 2015. Collection method: clinical testing. Allele origin: germline. Affected: yes. Observed: 1 variant allele.

Literature cited by the submitters: PubMed 9097956 (cited by Labcorp Genetics (formerly Invitae), Labcorp); PubMed 9106524 (cited by Labcorp Genetics (formerly Invitae), Labcorp); PubMed 19219621 (cited by Labcorp Genetics (formerly Invitae), Labcorp).